The following is an entry in ClinVar:

NM_014679.5(CEP57):c.56C>G (p.Ala19Gly)

Gene: CEP57 (centrosomal protein 57; plus strand). Cytogenetic location: 11q21.
Variant type: single nucleotide variant.
Coding change: c.56C>G on transcript NM_014679.5 (MANE Select); coding-DNA position 56, C replaced by G.
Protein change: p.Ala19Gly; replaces alanine 19 with glycine.
Molecular consequence: missense variant. On other transcripts: 5 prime UTR variant (1).
Genome position (GRCh38, 1-based): chr11:95,799,242, C>G. VCF-style: chr11-95799242-C-G. GRCh37 (hg19) VCF-style: chr11-95532406-C-G.
Other names: c.29C>G, p.Ala10Gly (NM_001243776.2); c.56C>G, p.Ala19Gly (NM_001243777.2); c.-26C>G (NM_001363604.2); c.56C>G (NM_014679.4); short protein forms A10G, A19G.
Identifiers: ClinVar variation 2413852 (VCV002413852.7), dbSNP rs1294147722, ClinGen allele CA382415418.

ClinVar aggregate classification (germline): Uncertain significance. Review status: criteria provided, multiple submitters, no conflicts (2 of 4 stars). 2 submissions from 2 submitters: Uncertain significance (2). Last evaluated 2025-09-17.

Conditions:
Inborn genetic diseases. Identifiers: MedGen C0950123, MeSH D030342.
Mosaic variegated aneuploidy syndrome 2 (MVA2). Identifiers: Orphanet 1052, MedGen C3279843, MONDO:0013582, OMIM 614114.

Allele frequency attached by ClinVar (database versions not stated): gnomAD exomes below 0.00001.

Submissions (2):

Ambry Genetics
Classification: Uncertain significance for Inborn genetic diseases. Last evaluated: 2025-09-17. Review status: criteria provided, single submitter. Criteria: Ambry Variant Classification Scheme 2023. Collection method: clinical testing. Allele origin: germline.
Comment: The p.A19G variant (also known as c.56C>G), located in coding exon 2 of the CEP57 gene, results from a C to G substitution at nucleotide position 56. The alanine at codon 19 is replaced by glycine, an amino acid with similar properties. This amino acid position is conserved. In addition, this alteration is predicted to be tolerated by in silico analysis. Based on the available evidence, the clinical significance of this variant remains unclear.

Labcorp Genetics (formerly Invitae), Labcorp
Classification: Uncertain significance for Mosaic variegated aneuploidy syndrome 2. Last evaluated: 2022-01-14. Review status: criteria provided, single submitter. Criteria: Invitae Variant Classification Sherloc (09022015). Collection method: clinical testing. Allele origin: germline.
Comment: This variant has not been reported in the literature in individuals affected with CEP57-related conditions. This variant is present in population databases (no rsID available, gnomAD 0.003%). This sequence change replaces alanine, which is neutral and non-polar, with glycine, which is neutral and non-polar, at codon 19 of the CEP57 protein (p.Ala19Gly). In summary, the available evidence is currently insufficient to determine the role of this variant in disease. Therefore, it has been classified as a Variant of Uncertain Significance. Algorithms developed to predict the effect of sequence changes on RNA splicing suggest that this variant may create or strengthen a splice site. Algorithms developed to predict the effect of missense changes on protein structure and function output the following: SIFT: "Tolerated"; PolyPhen-2: "Benign"; Align-GVGD: "Class C0". The glycine amino acid residue is found in multiple mammalian species, which suggests that this missense change does not adversely affect protein function.